The following is an entry in ClinVar:

ClinVar aggregate classification (germline): Uncertain significance. Review status: criteria provided, multiple submitters, no conflicts (2 of 4 stars). 2 submissions from 2 submitters: Uncertain significance (2). Last evaluated 2022-10-20.

Conditions:
Hereditary cancer-predisposing syndrome. Also called: Tumor predisposition; Hereditary neoplastic syndrome; Neoplastic Syndromes, Hereditary; Hereditary Cancer Syndrome. Identifiers: Orphanet 140162, MedGen C0027672, MeSH D009386, MONDO:0015356.
Oligodontia-cancer predisposition syndrome. Also called: TOOTH AGENESIS-COLORECTAL CANCER SYNDROME. Identifiers: Orphanet 300576, MedGen C1837750, MONDO:0012075, OMIM 608615. Disease mechanism: loss of function.

Allele frequency attached by ClinVar (database versions not stated): gnomAD exomes 0.00001; ExAC 0.00002.
gnomAD v4.1: 3 of 1,614,162 alleles (0.00019%); highest among the groups gnomAD compares: Non-Finnish European, 0.000085%; no homozygotes.

Submissions (2):

Ambry Genetics
Classification: Uncertain significance for Hereditary cancer-predisposing syndrome. Last evaluated: 2022-10-20. Review status: criteria provided, single submitter. Criteria: Ambry Variant Classification Scheme 2023. Collection method: clinical testing. Allele origin: germline.
Comment: The p.V327A variant (also known as c.980T>C), located in coding exon 3 of the AXIN2 gene, results from a T to C substitution at nucleotide position 980. The valine at codon 327 is replaced by alanine, an amino acid with similar properties. This amino acid position is conserved. In addition, this alteration is predicted to be tolerated by in silico analysis. Since supporting evidence is limited at this time, the clinical significance of this alteration remains unclear.

Labcorp Genetics (formerly Invitae), Labcorp
Classification: Uncertain significance for Oligodontia-cancer predisposition syndrome. Last evaluated: 2022-02-18. Review status: criteria provided, single submitter. Criteria: Invitae Variant Classification Sherloc (09022015). Collection method: clinical testing. Allele origin: germline.
Comment: Algorithms developed to predict the effect of missense changes on protein structure and function (SIFT, PolyPhen-2, Align-GVGD) all suggest that this variant is likely to be tolerated. In summary, the available evidence is currently insufficient to determine the role of this variant in disease. Therefore, it has been classified as a Variant of Uncertain Significance. ClinVar contains an entry for this variant (Variation ID: 1009764). This variant has not been reported in the literature in individuals affected with AXIN2-related conditions. This variant is present in population databases (rs756978497, gnomAD 0.002%). This sequence change replaces valine, which is neutral and non-polar, with alanine, which is neutral and non-polar, at codon 327 of the AXIN2 protein (p.Val327Ala).

NM_004655.4(AXIN2):c.980T>C (p.Val327Ala)

Gene: AXIN2 (axin 2; minus strand). Cytogenetic location: 17q24.1.
Variant type: single nucleotide variant.
Coding change: c.980T>C on transcript NM_004655.4 (MANE Select); coding-DNA position 980, T replaced by C.
Protein change: p.Val327Ala; replaces valine 327 with alanine.
Molecular consequence: missense variant.
Genome position (GRCh38, 1-based): chr17:65,541,534, A>G on the plus strand (T>C on the coding strand, the complement: AXIN2 is on the minus strand). VCF-style: chr17-65541534-A-G. GRCh37 (hg19) VCF-style: chr17-63537652-A-G.
Other names: c.980T>C, p.Val327Ala (NM_001363813.1); short protein forms V327A.
Identifiers: ClinVar variation 1009764 (VCV001009764.11), dbSNP rs756978497, ClinGen allele CA8718909.